The following is an entry in ClinVar:

ClinVar aggregate classification (germline): Uncertain significance (1 of 4 stars; one submission).

Conditions:
Carnitine palmitoyltransferase II deficiency. Also called: Carnitine Palmitoyltransferase 2 Deficiency. Identifiers: Orphanet 157, MedGen C0342790, MONDO:0015515.

Allele frequency attached by ClinVar (database versions not stated): gnomAD exomes below 0.00001 and 0.00001; gnomAD 0.00001.
gnomAD v4.1: 14 of 1,613,956 alleles (0.00087%); highest among the groups gnomAD compares: Non-Finnish European, 0.0012%; no homozygotes.

Submission:

Labcorp Genetics (formerly Invitae), Labcorp
Classification: Uncertain significance for Carnitine palmitoyltransferase II deficiency. Last evaluated: 2022-03-28. Review status: criteria provided, single submitter. Criteria: Invitae Variant Classification Sherloc (09022015). Collection method: clinical testing. Allele origin: germline.
Comment: This sequence change replaces asparagine, which is neutral and polar, with serine, which is neutral and polar, at codon 138 of the CPT2 protein (p.Asn138Ser). This variant is present in population databases (no rsID available, gnomAD 0.0009%). This variant has not been reported in the literature in individuals affected with CPT2-related conditions. Advanced modeling of protein sequence and biophysical properties (such as structural, functional, and spatial information, amino acid conservation, physicochemical variation, residue mobility, and thermodynamic stability) performed at Invitae indicates that this missense variant is not expected to disrupt CPT2 protein function. Algorithms developed to predict the effect of sequence changes on RNA splicing suggest that this variant may create or strengthen a splice site. In summary, the available evidence is currently insufficient to determine the role of this variant in disease. Therefore, it has been classified as a Variant of Uncertain Significance.

NM_000098.3(CPT2):c.413A>G (p.Asn138Ser)

Gene: CPT2 (carnitine palmitoyltransferase 2; plus strand). Cytogenetic location: 1p32.3.
Variant type: single nucleotide variant.
Coding change: c.413A>G on transcript NM_000098.3 (MANE Select); coding-DNA position 413, A replaced by G.
Protein change: p.Asn138Ser; replaces asparagine 138 with serine.
Molecular consequence: missense variant.
Genome position (GRCh38, 1-based): chr1:53,210,087, A>G. VCF-style: chr1-53210087-A-G. GRCh37 (hg19) VCF-style: chr1-53675759-A-G.
Other names: c.413A>G, p.Asn138Ser (NM_001330589.2); short protein forms N138S.
Identifiers: ClinVar variation 1480754 (VCV001480754.5), dbSNP rs1488632092, ClinGen allele CA340392040.